The following is an entry in ClinVar:

ClinVar aggregate classification (germline): Uncertain significance (1 of 4 stars; one submission).

Conditions:
Emery-Dreifuss muscular dystrophy 5, autosomal dominant (EDMD5). Also called: EMERY-DREIFUSS MUSCULAR DYSTROPHY 5. Identifiers: Orphanet 261, MedGen C2751805, MONDO:0013072, OMIM 612999.

Allele frequency attached by ClinVar (database versions not stated): gnomAD exomes 0.00004 and 0.00005; ExAC 0.00007.
gnomAD v4.1: 58 of 1,613,728 alleles (0.0036%); highest among the groups gnomAD compares: South Asian, 0.047%; 2 homozygotes.

Submission:

Labcorp Genetics (formerly Invitae), Labcorp
Classification: Uncertain significance for Emery-Dreifuss muscular dystrophy 5, autosomal dominant. Last evaluated: 2022-10-18. Review status: criteria provided, single submitter. Criteria: Invitae Variant Classification Sherloc (09022015). Collection method: clinical testing. Allele origin: germline.
Comment: In summary, the available evidence is currently insufficient to determine the role of this variant in disease. Therefore, it has been classified as a Variant of Uncertain Significance. Algorithms developed to predict the effect of missense changes on protein structure and function output the following: SIFT: "Deleterious"; PolyPhen-2: "Benign"; Align-GVGD: "Class C0". The threonine amino acid residue is found in multiple mammalian species, which suggests that this missense change does not adversely affect protein function. ClinVar contains an entry for this variant (Variation ID: 955919). This variant has not been reported in the literature in individuals affected with SYNE2-related conditions. This variant is present in population databases (rs767383909, gnomAD 0.04%), and has an allele count higher than expected for a pathogenic variant. This sequence change replaces isoleucine, which is neutral and non-polar, with threonine, which is neutral and polar, at codon 1252 of the SYNE2 protein (p.Ile1252Thr).

NM_182914.3(SYNE2):c.3755T>C (p.Ile1252Thr)

Gene: SYNE2 (spectrin repeat containing nuclear envelope protein 2; plus strand). Cytogenetic location: 14q23.2.
Variant type: single nucleotide variant.
Coding change: c.3755T>C on transcript NM_182914.3 (MANE Select); coding-DNA position 3755, T replaced by C.
Protein change: p.Ile1252Thr; replaces isoleucine 1252 with threonine.
Molecular consequence: missense variant.
Genome position (GRCh38, 1-based): chr14:64,002,050, T>C. VCF-style: chr14-64002050-T-C. GRCh37 (hg19) VCF-style: chr14-64468768-T-C.
Other names: c.3755T>C, p.Ile1252Thr (NM_015180.6); short protein forms I1252T.
Identifiers: ClinVar variation 955919 (VCV000955919.8), dbSNP rs767383909, ClinGen allele CA7220050.
Genomic context (GRCh38, chr14:64,002,050, plus strand): 5'-TTCTTCTCTGTGGCTCGGACCTGCCTCTCCATAAAATGGCCATCCAGGGATTTCATCTCA[T>C]TGATGCTGATCGCATCTATCAACACCTAAGGGTAAGTATATAAGTTCTCACAGTGTATTT-3'
Protein context (NP_878918.2, residues 1242-1262): HKMAIQGFHL[Ile1252Thr]DADRIYQHLR